The following is an entry in ClinVar:

ClinVar aggregate classification (germline): Uncertain significance. Review status: criteria provided, multiple submitters, no conflicts (2 of 4 stars). 2 submissions from 2 submitters: Uncertain significance (2). Last evaluated 2024-03-06.

Conditions:
Arrhythmogenic right ventricular dysplasia 9 (ARVD9). Also called: Arrhythmogenic Right Ventricular Dysplasia/Cardiomyopathy 9; ARRHYTHMOGENIC RIGHT VENTRICULAR DYSPLASIA, FAMILIAL, 9. Identifiers: MedGen C1836906, MONDO:0012180, OMIM 609040.
Cardiomyopathy (CMYO). Also called: Cardiomyopathies. Identifiers: Orphanet 167848, MedGen C0878544, MONDO:0004994, HP:0001638. Inheritance: Various modes of inheritance.

Submissions (2):

Color Diagnostics, LLC DBA Color Health
Classification: Uncertain significance for Cardiomyopathy. Last evaluated: 2024-03-06. Review status: criteria provided, single submitter. Criteria: ACMG Guidelines, 2015. Collection method: clinical testing. Allele origin: germline.
Comment: This missense variant replaces aspartic acid with glutamic acid at codon 501 of the PKP2 protein. Computational prediction suggests that this variant may not impact protein structure and function (internally defined REVEL score threshold <= 0.5, PMID: 27666373). To our knowledge, functional studies have not been reported for this variant. This variant has not been reported in individuals affected with cardiovascular disorders in the literature. This variant has not been identified in the general population by the Genome Aggregation Database (gnomAD). The available evidence is insufficient to determine the role of this variant in disease conclusively. Therefore, this variant is classified as a Variant of Uncertain Significance.

Labcorp Genetics (formerly Invitae), Labcorp
Classification: Uncertain significance for Arrhythmogenic right ventricular dysplasia 9. Last evaluated: 2018-05-06. Review status: criteria provided, single submitter. Criteria: Invitae Variant Classification Sherloc (09022015). Collection method: clinical testing. Allele origin: germline.
Comment: In summary, the available evidence is currently insufficient to determine the role of this variant in disease. Therefore, it has been classified as a Variant of Uncertain Significance. Algorithms developed to predict the effect of missense changes on protein structure and function do not agree on the potential impact of this missense change (PolyPhen-2: "Benign"; Align-GVGD: "Class C0"). This variant has not been reported in the literature in individuals with PKP2-related disease. This variant is not present in population databases (ExAC no frequency). This sequence change replaces aspartic acid with glutamic acid at codon 501 of the PKP2 protein (p.Asp501Glu). The aspartic acid residue is weakly conserved and there is a small physicochemical difference between aspartic acid and glutamic acid.

NM_001005242.3(PKP2):c.1379-1984C>G

Gene: PKP2 (plakophilin 2; minus strand). Cytogenetic location: 12p11.21.
Variant type: single nucleotide variant.
Coding change: c.1379-1984C>G on transcript NM_001005242.3 (MANE Select); 1984 bases into the intron before coding-DNA position 1379, C replaced by G.
Molecular consequence: intron variant. On other transcripts: missense variant (1).
Genome position (GRCh38, 1-based): chr12:32,843,189, G>C on the plus strand (C>G on the coding strand, the complement: PKP2 is on the minus strand). VCF-style: chr12-32843189-G-C. GRCh37 (hg19) VCF-style: chr12-32996123-G-C.
Other names: c.1503C>G, p.Asp501Glu (NM_004572.4); short protein forms D501E.
Identifiers: ClinVar variation 574823 (VCV000574823.12), dbSNP rs759017992, ClinGen allele CA384368561.
Genomic context (GRCh38, chr12:32,843,189, plus strand): 5'-ACCACGACACCCGGCTAATTTTTTTGTATTTTGAGTAGAGACAGGGGTCTCACCATGTTG[G>C]TCAGGCTGGTCTCGAACTCCTGACCTCGTGATCCGCCCGCCTTGGCCTCCCAAAGTGCTG-3'